The following is an entry in ClinVar:

ClinVar aggregate classification (germline): Uncertain significance (1 of 4 stars; one submission).

Conditions:
Familial temporal lobe epilepsy 7. Identifiers: Orphanet 101046, MedGen C4225327, MONDO:0014639, OMIM 616436.
Norman-Roberts syndrome (LIS2). Also called: Lissencephaly 2 (Norman-Roberts type). Identifiers: Orphanet 89844, MedGen C0796089, MONDO:0009760, OMIM 257320.

Allele frequency attached by ClinVar (database versions not stated): gnomAD 0.00001; gnomAD exomes 0.00001 and 0.00003; TOPMed 0.00001.
gnomAD v4.1: 39 of 1,613,808 alleles (0.0024%); highest among the groups gnomAD compares: Admixed American, 0.0067%; no homozygotes.

Submission:

Labcorp Genetics (formerly Invitae), Labcorp
Classification: Uncertain significance for Familial temporal lobe epilepsy 7; Norman-Roberts syndrome. Last evaluated: 2023-11-24. Review status: criteria provided, single submitter. Criteria: Invitae Variant Classification Sherloc (09022015). Collection method: clinical testing. Allele origin: germline.
Comment: This sequence change replaces glutamic acid, which is acidic and polar, with lysine, which is basic and polar, at codon 418 of the RELN protein (p.Glu418Lys). This variant is present in population databases (no rsID available, gnomAD 0.006%). This variant has not been reported in the literature in individuals affected with RELN-related conditions. ClinVar contains an entry for this variant (Variation ID: 542572). Advanced modeling of protein sequence and biophysical properties (such as structural, functional, and spatial information, amino acid conservation, physicochemical variation, residue mobility, and thermodynamic stability) performed at Invitae indicates that this missense variant is not expected to disrupt RELN protein function with a negative predictive value of 80%. In summary, the available evidence is currently insufficient to determine the role of this variant in disease. Therefore, it has been classified as a Variant of Uncertain Significance.

NM_005045.4(RELN):c.1252G>A (p.Glu418Lys)

Gene: RELN (reelin; minus strand). Cytogenetic location: 7q22.1.
Variant type: single nucleotide variant.
Coding change: c.1252G>A on transcript NM_005045.4 (MANE Select); coding-DNA position 1252, G replaced by A.
Protein change: p.Glu418Lys; replaces glutamic acid 418 with lysine.
Molecular consequence: missense variant.
Genome position (GRCh38, 1-based): chr7:103,682,153, C>T on the plus strand (G>A on the coding strand, the complement: RELN is on the minus strand). VCF-style: chr7-103682153-C-T. GRCh37 (hg19) VCF-style: chr7-103322600-C-T.
Other names: c.1252G>A, p.Glu418Lys (NM_173054.3); short protein forms E418K.
Identifiers: ClinVar variation 542572 (VCV000542572.5), dbSNP rs983845835, ClinGen allele CA163855848.
Genomic context (GRCh38, chr7:103,682,153, plus strand): 5'-CATGGGAGATAGCAATTACTTACCCTGTAGGCTGGCTCTCAAATTCTTCTGACCATTGCT[C>T]TTGAATATCTTCTGTGGAAAGATCTACATCCCTGGTGGTGGCAAAATTGAACTCGCTGCC-3'
Protein context (NP_005036.2, residues 408-428): DVDLSTEDIQ[Glu418Lys]QWSEEFESQP